The following is an entry in ClinVar:

NM_006513.4(SARS1):c.1168C>T (p.Arg390Cys)

Gene: SARS1 (seryl-tRNA synthetase 1; plus strand). Cytogenetic location: 1p13.3.
Variant type: single nucleotide variant.
Coding change: c.1168C>T on transcript NM_006513.4 (MANE Select); coding-DNA position 1168, C replaced by T.
Protein change: p.Arg390Cys; replaces arginine 390 with cysteine.
Molecular consequence: missense variant.
Genome position (GRCh38, 1-based): chr1:109,236,459, C>T. VCF-style: chr1-109236459-C-T. GRCh37 (hg19) VCF-style: chr1-109779081-C-T.
Other names: c.1168C>T, p.Arg390Cys (NM_001330669.1); short protein forms R390C.
Identifiers: ClinVar variation 2499500 (VCV002499500.1), dbSNP rs750961565, ClinGen allele CA986164.

ClinVar aggregate classification (germline): no classifications from unflagged records (0 of 4 stars; one submission).

Conditions:
Neurodevelopmental disorder with microcephaly, ataxia, and seizures. Identifiers: MedGen C4540188, MONDO:0060577, OMIM 617709.

Allele frequency attached by ClinVar (database versions not stated): gnomAD 0.00001; gnomAD exomes 0.00001; ExAC 0.00001.
gnomAD v4.1: 9 of 1,606,040 alleles (0.00056%); highest among the groups gnomAD compares: East Asian, 0.0067%; no homozygotes.

Submission:

OMIM
Classification: Pathogenic for NEURODEVELOPMENTAL DISORDER WITH MICROCEPHALY, ATAXIA, AND SEIZURES. Last evaluated: 2023-04-19. Review status: flagged submission. Collection method: literature only. Allele origin: germline.
ClinVar note: Notes: Flagging candidate with reason of insufficient supporting evidence. This gene has been classified as having a limited gene-disease relationship by a ClinGen Expert Panel.
ClinVar note: Reason: Other

Literature cited by the submitters: PubMed 35790048.